The following is an entry in ClinVar:

NM_000719.7(CACNA1C):c.922C>T (p.Pro308Ser)

Gene: CACNA1C (calcium voltage-gated channel subunit alpha1 C; plus strand). Cytogenetic location: 12p13.33.
Variant type: single nucleotide variant.
Coding change: c.922C>T on transcript NM_000719.7 (MANE Select); coding-DNA position 922, C replaced by T.
Protein change: p.Pro308Ser; replaces proline 308 with serine.
Molecular consequence: missense variant. On other transcripts: intron variant (1).
Genome position (GRCh38, 1-based): chr12:2,493,195, C>T. VCF-style: chr12-2493195-C-T. GRCh37 (hg19) VCF-style: chr12-2602361-C-T.
Other names: c.922C>T, p.Pro308Ser (NM_001129827.2, NM_001129829.2, NM_001129830.3 and 18 more transcripts); c.917-4C>T (NM_001129844.2); short protein forms P308S.
Identifiers: ClinVar variation 1766262 (VCV001766262.2), dbSNP rs2504134753, ClinGen allele CA383369630.
Genomic context (GRCh38, chr12:2,493,195, plus strand): 5'-CCACATCTCTCCCTCCCTGCTGCTCCCGTCTCCTGTCTTCTTCTGGCCATTTGAGATGTT[C>T]CAGCAGAAGATGACCCTTCCCCTTGTGCGCTGGAAACGGGCCACGGGCGGCAGTGCCAGA-3'
Protein context (NP_000710.5, residues 298-318): CYNQEGIADV[Pro308Ser]AEDDPSPCAL

ClinVar aggregate classification (germline): Uncertain significance (1 of 4 stars; one submission).

Conditions:
Cardiovascular phenotype. Identifiers: MedGen CN230736.

Allele frequency attached by ClinVar (database versions not stated): gnomAD exomes below 0.00001.
gnomAD v4.1: 1 of 1,613,428 alleles (0.000062%); no homozygotes.

Submission:

Ambry Genetics
Classification: Uncertain significance for Cardiovascular phenotype. Last evaluated: 2019-03-10. Review status: criteria provided, single submitter. Criteria: Ambry Variant Classification Scheme 2023. Collection method: clinical testing. Allele origin: germline.
Comment: The p.P308S variant (also known as c.922C>T), located in coding exon 7 of the CACNA1C gene, results from a C to T substitution at nucleotide position 922. The proline at codon 308 is replaced by serine, an amino acid with similar properties. This amino acid position is highly conserved in available vertebrate species. In addition, this alteration is predicted to be tolerated by in silico analysis. Since supporting evidence is limited at this time, the clinical significance of this alteration remains unclear.